The following is an entry in ClinVar:

NM_000548.5(TSC2):c.2120A>G (p.Lys707Arg)

Gene: TSC2 (TSC complex subunit 2; plus strand). Cytogenetic location: 16p13.3.
Variant type: single nucleotide variant.
Coding change: c.2120A>G on transcript NM_000548.5 (MANE Select); coding-DNA position 2120, A replaced by G.
Protein change: p.Lys707Arg; replaces lysine 707 with arginine.
Molecular consequence: missense variant. On other transcripts: non-coding transcript variant (5).
Genome position (GRCh38, 1-based): chr16:2,072,263, A>G. VCF-style: chr16-2072263-A-G. GRCh37 (hg19) VCF-style: chr16-2122264-A-G.
Other names: c.2120A>G, p.Lys707Arg (NM_001077183.3, NM_001114382.3, NM_001363528.2 and 6 more transcripts); c.2009A>G, p.Lys670Arg (NM_001318827.2, NM_001406670.1, NM_001406678.1); c.1973A>G, p.Lys658Arg (NM_001318829.2, NM_001406675.1, NM_001406676.1 and 1 more transcripts); c.1520A>G, p.Lys507Arg (NM_001318831.2, NM_001406680.1, NM_001406682.1 and 6 more transcripts); c.2153A>G, p.Lys718Arg (NM_001318832.2); c.2210A>G, p.Lys737Arg (NM_001406667.1, NM_001406668.1); c.2108A>G, p.Lys703Arg (NM_001406671.1, NM_001406673.1); c.2063A>G, p.Lys688Arg (NM_001406677.1); and 3 more; short protein forms K173R, K658R, K670R, K507R, K553R, K688R, K703R, K707R.
Identifiers: ClinVar variation 2626455 (VCV002626455.2), dbSNP rs2151316282, ClinGen allele CA394274792.

ClinVar aggregate classification (germline): Uncertain significance (1 of 4 stars; one submission).

Conditions:
Hereditary cancer-predisposing syndrome. Also called: Tumor predisposition; Hereditary Cancer Syndrome; Hereditary neoplastic syndrome; Neoplastic Syndromes, Hereditary. Identifiers: Orphanet 140162, MedGen C0027672, MeSH D009386, MONDO:0015356.

Submission:

Ambry Genetics
Classification: Uncertain significance for Hereditary cancer-predisposing syndrome. Last evaluated: 2023-09-06. Review status: criteria provided, single submitter. Criteria: Ambry Variant Classification Scheme 2023. Collection method: clinical testing. Allele origin: germline.
Comment: The p.K707R variant (also known as c.2120A>G), located in coding exon 19 of the TSC2 gene, results from an A to G substitution at nucleotide position 2120. The lysine at codon 707 is replaced by arginine, an amino acid with highly similar properties. This amino acid position is conserved. In addition, the in silico prediction for this alteration is inconclusive. Since supporting evidence is limited at this time, the clinical significance of this alteration remains unclear.